The following is an entry in ClinVar:

ClinVar aggregate classification (germline): Uncertain significance (1 of 4 stars; one submission).

Conditions:
Inborn genetic diseases. Identifiers: MedGen C0950123, MeSH D030342.

Submission:

Ambry Genetics
Classification: Uncertain significance for Inborn genetic diseases. Last evaluated: 2024-10-28. Review status: criteria provided, single submitter. Criteria: Ambry Variant Classification Scheme 2023. Collection method: clinical testing. Allele origin: germline.
Comment: The p.D198G variant (also known as c.593A>G), located in coding exon 6 of the RAD51 gene, results from an A to G substitution at nucleotide position 593. The aspartic acid at codon 198 is replaced by glycine, an amino acid with similar properties. This amino acid position is conserved. In addition, this alteration is predicted to be deleterious by in silico analysis. Based on the available evidence, the clinical significance of this variant remains unclear.

NM_002875.5(RAD51):c.593A>G (p.Asp198Gly)

Gene: RAD51 (RAD51 recombinase; plus strand). Cytogenetic location: 15q15.1.
Variant type: single nucleotide variant.
Coding change: c.593A>G on transcript NM_002875.5 (MANE Select); coding-DNA position 593, A replaced by G.
Protein change: p.Asp198Gly; replaces aspartic acid 198 with glycine.
Molecular consequence: missense variant.
Genome position (GRCh38, 1-based): chr15:40,728,773, A>G. VCF-style: chr15-40728773-A-G. GRCh37 (hg19) VCF-style: chr15-41020971-A-G.
Other names: c.596A>G, p.Asp199Gly (NM_001164269.2, NM_133487.4); c.593A>G, p.Asp198Gly (NM_001164270.2); short protein forms D199G, D198G.
Identifiers: ClinVar variation 3429557 (VCV003429557.1).
Genomic context (GRCh38, chr15:40,728,773, plus strand): 5'-ATGGTCTCTCTGGCAGTGATGTCCTGGATAATGTAGCATATGCTCGAGCGTTCAACACAG[A>G]CCACCAGACCCAGCTCCTTTATCAAGCATCAGCCATGATGGTAGAATCTAGGTATGTGTT-3'
Protein context (NP_002866.2, residues 188-208): NVAYARAFNT[Asp198Gly]HQTQLLYQAS